The following is an entry in ClinVar:

NM_198525.3(KIF7):c.2106G>A (p.Arg702=)

Gene: KIF7 (kinesin family member 7; minus strand). Cytogenetic location: 15q26.1.
Variant type: single nucleotide variant.
Coding change: c.2106G>A on transcript NM_198525.3 (MANE Select); coding-DNA position 2106, G replaced by A.
Protein change: p.Arg702=; no amino-acid change (arginine 702 retained).
Molecular consequence: synonymous variant.
Genome position (GRCh38, 1-based): chr15:89,645,098, C>T on the plus strand (G>A on the coding strand, the complement: KIF7 is on the minus strand). VCF-style: chr15-89645098-C-T. GRCh37 (hg19) VCF-style: chr15-90188329-C-T.
Identifiers: ClinVar variation 1604234 (VCV001604234.14), dbSNP rs1377904601, ClinGen allele CA492102480.

ClinVar aggregate classification (germline): Likely benign. Review status: criteria provided, multiple submitters, no conflicts (2 of 4 stars). 2 submissions from 2 submitters: Likely benign (2). Last evaluated 2025-11-01.

Conditions:
Acrocallosal syndrome (ACLS). Also called: Schinzel syndrome 1; Absence of corpus callosum with unusual facial appearance, mental deficiency, duplication of the halluces and polydactyly; HALLUX DUPLICATION, POSTAXIAL POLYDACTYLY, AND ABSENCE OF CORPUS CALLOSUM. Identifiers: Orphanet 36, MedGen C0796147, MONDO:0008708, OMIM 200990.

Allele frequency attached by ClinVar (database versions not stated): gnomAD 0.00001; gnomAD exomes 0.00001.
gnomAD v4.1: 4 of 1,605,872 alleles (0.00025%); highest among the groups gnomAD compares: Non-Finnish European, 0.00034%; no homozygotes.

Submissions (2):

CeGaT Center for Human Genetics Tuebingen
Classification: Likely benign. Last evaluated: 2025-11-01. Review status: criteria provided, single submitter. Criteria: CeGaT Center For Human Genetics Tuebingen Variant Classification Criteria Version 2. Collection method: clinical testing. Allele origin: germline. Affected: yes. Observed: 1 variant allele.
Comment: KIF7: BP4, BP7

Labcorp Genetics (formerly Invitae), Labcorp
Classification: Likely benign for Acrocallosal syndrome. Last evaluated: 2025-03-03. Review status: criteria provided, single submitter. Criteria: Invitae Variant Classification Sherloc (09022015). Collection method: clinical testing. Allele origin: germline.